The following is an entry in ClinVar:

NM_000334.4(SCN4A):c.5375C>T (p.Pro1792Leu)

Genes: GH-LCR (growth hormone locus control region; plus strand), SCN4A (sodium voltage-gated channel alpha subunit 4; minus strand). Cytogenetic location: 17q23.3.
Variant type: single nucleotide variant.
Coding change: c.5375C>T on transcript NM_000334.4 (MANE Select); coding-DNA position 5375, C replaced by T.
Protein change: p.Pro1792Leu; replaces proline 1792 with leucine.
Molecular consequence: missense variant.
Genome position (GRCh38, 1-based): chr17:63,940,907, G>A on the plus strand (C>T on the coding strand, the complement: SCN4A is on the minus strand). VCF-style: chr17-63940907-G-A. GRCh37 (hg19) VCF-style: chr17-62018267-G-A.
Other names: short protein forms P1792L.
Identifiers: ClinVar variation 641693 (VCV000641693.9), dbSNP rs750560473, ClinGen allele CA8708770.

ClinVar aggregate classification (germline): Uncertain significance. Review status: criteria provided, multiple submitters, no conflicts (2 of 4 stars). 3 submissions from 3 submitters: Uncertain significance (3). Last evaluated 2025-05-18.

Conditions:
Inborn genetic diseases. Identifiers: MedGen C0950123, MeSH D030342.
Hyperkalemic periodic paralysis. Also called: Familial hyperkalemic periodic paralysis; Gamstorp disease. Identifiers: Orphanet 682, MedGen C0238357, MONDO:0008224, OMIM 170500, HP:0007215.
SCN4A-related disorder. Also called: SCN4A-related disorders.

Allele frequency attached by ClinVar (database versions not stated): gnomAD 0.00001; gnomAD exomes 0.00001 and 0.00002; TOPMed 0.00002; ExAC 0.00003.
gnomAD v4.1: 14 of 1,613,818 alleles (0.00087%); highest among the groups gnomAD compares: East Asian, 0.0022%; no homozygotes.

Submissions (3):

Labcorp Genetics (formerly Invitae), Labcorp
Classification: Uncertain significance for Hyperkalemic periodic paralysis. Last evaluated: 2025-05-18. Review status: criteria provided, single submitter. Criteria: Invitae Variant Classification Sherloc (09022015). Collection method: clinical testing. Allele origin: germline.
Comment: This sequence change replaces proline, which is neutral and non-polar, with leucine, which is neutral and non-polar, at codon 1792 of the SCN4A protein (p.Pro1792Leu). This variant is present in population databases (rs750560473, gnomAD 0.006%). This variant has not been reported in the literature in individuals affected with SCN4A-related conditions. ClinVar contains an entry for this variant (Variation ID: 641693). Invitae Evidence Modeling of protein sequence and biophysical properties (such as structural, functional, and spatial information, amino acid conservation, physicochemical variation, residue mobility, and thermodynamic stability) indicates that this missense variant is not expected to disrupt SCN4A protein function with a negative predictive value of 95%. In summary, the available evidence is currently insufficient to determine the role of this variant in disease. Therefore, it has been classified as a Variant of Uncertain Significance.

PreventionGenetics, part of Exact Sciences
Classification: Uncertain significance for SCN4A-related condition. Last evaluated: 2023-09-04. Review status: criteria provided, single submitter. Criteria: ACMG Guidelines, 2015. Collection method: clinical testing. Allele origin: germline.
Comment: The SCN4A c.5375C>T variant is predicted to result in the amino acid substitution p.Pro1792Leu. To our knowledge, this variant has not been reported in the literature. This variant is reported in 0.0065% of alleles in individuals of South Asian descent in gnomAD. At this time, the clinical significance of this variant is uncertain due to the absence of conclusive functional and genetic evidence.

Ambry Genetics
Classification: Uncertain significance for Inborn genetic diseases. Last evaluated: 2021-10-05. Review status: criteria provided, single submitter. Criteria: Ambry Variant Classification Scheme 2023. Collection method: clinical testing. Allele origin: germline.